The following is an entry in ClinVar:

ClinVar aggregate classification (germline): Uncertain significance (1 of 4 stars; one submission).

Conditions:
Juvenile polyposis syndrome (JPS). Identifiers: Orphanet 2929, MedGen C0345893, MONDO:0017380, OMIM 174900.

Submission:

Labcorp Genetics (formerly Invitae), Labcorp
Classification: Uncertain significance for Juvenile polyposis syndrome. Last evaluated: 2024-09-27. Review status: criteria provided, single submitter. Criteria: Invitae Variant Classification Sherloc (09022015). Collection method: clinical testing. Allele origin: germline.
Comment: This variant, c.424_426del, results in the deletion of 1 amino acid(s) of the BMPR1A protein (p.Val142del), but otherwise preserves the integrity of the reading frame. This variant is not present in population databases (gnomAD no frequency). This variant has not been reported in the literature in individuals affected with BMPR1A-related conditions. ClinVar contains an entry for this variant (Variation ID: 2054464). Experimental studies and prediction algorithms are not available or were not evaluated, and the functional significance of this variant is currently unknown. In summary, the available evidence is currently insufficient to determine the role of this variant in disease. Therefore, it has been classified as a Variant of Uncertain Significance.

NM_004329.3(BMPR1A):c.424_426del (p.Val142del)

Gene: BMPR1A (bone morphogenetic protein receptor type 1A; plus strand). Cytogenetic location: 10q23.2.
Variant type: Deletion.
Coding change: c.424_426del on transcript NM_004329.3 (MANE Select); coding-DNA positions 424 to 426, 3 bases deleted (GTC; older notation c.424_426delGTC).
Protein change: p.Val142del; deletes valine 142.
Molecular consequence: inframe deletion. On other transcripts: inframe indel (30).
Genome position (GRCh38, 1-based): chr10:86,899,884-86,899,886, GTC deleted. VCF-style (leftmost placement, unchanged base first): chr10-86899883-TGTC-T. GRCh37 (hg19) VCF-style: chr10-88659640-TGTC-T.
Other names: c.424_426delGTC, p.Val142del (NM_001406559.1, NM_001406560.1, NM_001406561.1 and 22 more transcripts); c.340_342delGTC, p.Val114del (NM_001406584.1, NM_001406585.1, NM_001406586.1 and 2 more transcripts); short protein forms V114del, V142del.
Identifiers: ClinVar variation 2054464 (VCV002054464.4), dbSNP rs2539491549, ClinGen allele CA2580082107.